The following is an entry in ClinVar:

ClinVar aggregate classification (germline): Uncertain significance (1 of 4 stars; one submission).

Submission:

Labcorp Genetics (formerly Invitae), Labcorp
Classification: Uncertain significance. Last evaluated: 2022-11-22. Review status: criteria provided, single submitter. Criteria: Invitae Variant Classification Sherloc (09022015). Collection method: clinical testing. Allele origin: germline.
Comment: This sequence change replaces lysine, which is basic and polar, with asparagine, which is neutral and polar, at codon 1140 of the MCM3AP protein (p.Lys1140Asn). This variant is not present in population databases (gnomAD no frequency). In summary, the available evidence is currently insufficient to determine the role of this variant in disease. Therefore, it has been classified as a Variant of Uncertain Significance. Algorithms developed to predict the effect of missense changes on protein structure and function (SIFT, PolyPhen-2, Align-GVGD) all suggest that this variant is likely to be tolerated. ClinVar contains an entry for this variant (Variation ID: 1416446). This variant has not been reported in the literature in individuals affected with MCM3AP-related conditions.

NM_003906.5(MCM3AP):c.3420G>T (p.Lys1140Asn)

Gene: MCM3AP (minichromosome maintenance complex component 3 associated protein; minus strand). Cytogenetic location: 21q22.3.
Variant type: single nucleotide variant.
Coding change: c.3420G>T on transcript NM_003906.5 (MANE Select); coding-DNA position 3420, G replaced by T.
Protein change: p.Lys1140Asn; replaces lysine 1140 with asparagine.
Molecular consequence: missense variant.
Genome position (GRCh38, 1-based): chr21:46,261,327, C>A on the plus strand (G>T on the coding strand, the complement: MCM3AP is on the minus strand). VCF-style: chr21-46261327-C-A. GRCh37 (hg19) VCF-style: chr21-47681241-C-A.
Other names: short protein forms K1140N.
Identifiers: ClinVar variation 1416446 (VCV001416446.6), dbSNP rs2145664565, ClinGen allele CA410555551.